The following is an entry in ClinVar:

NM_006397.3(RNASEH2A):c.323G>C (p.Arg108Pro)

Gene: RNASEH2A (ribonuclease H2 subunit A; plus strand). Cytogenetic location: 19p13.13.
Variant type: single nucleotide variant.
Coding change: c.323G>C on transcript NM_006397.3 (MANE Select); coding-DNA position 323, G replaced by C.
Protein change: p.Arg108Pro; replaces arginine 108 with proline.
Molecular consequence: missense variant.
Genome position (GRCh38, 1-based): chr19:12,807,329, G>C. VCF-style: chr19-12807329-G-C. GRCh37 (hg19) VCF-style: chr19-12918143-G-C.
Other names: short protein forms R108P.
Identifiers: ClinVar variation 2116253 (VCV002116253.4), dbSNP rs1232764867, ClinGen allele CA404265451.
Genomic context (GRCh38, chr19:12,807,329, plus strand): 5'-TTGTCGGCTGGGCGCTGGATGTGCTGTCTCCAAACCTCATCTCTACCAGCATGCTTGGGC[G>C]GTGAGGGGTCCCCGGGAGGGGCAGCCAGCATGGGCTGACCAAGCTTTGTTCCTAGAATGA-3'
Protein context (NP_006388.2, residues 98-118): PNLISTSMLG[Arg108Pro]VKYNLNSLSH

ClinVar aggregate classification (germline): Uncertain significance (1 of 4 stars; one submission).

Conditions:
Aicardi-Goutieres syndrome 4. Identifiers: Orphanet 51, MedGen C1835912, MONDO:0012472, OMIM 610333.

Submission:

Labcorp Genetics (formerly Invitae), Labcorp
Classification: Uncertain significance for Aicardi-Goutieres syndrome 4. Last evaluated: 2022-04-14. Review status: criteria provided, single submitter. Criteria: Invitae Variant Classification Sherloc (09022015). Collection method: clinical testing. Allele origin: germline.
Comment: In summary, the available evidence is currently insufficient to determine the role of this variant in disease. Therefore, it has been classified as a Variant of Uncertain Significance. Variants that disrupt the consensus splice site are a relatively common cause of aberrant splicing (PMID: 17576681, 9536098). Algorithms developed to predict the effect of sequence changes on RNA splicing suggest that this variant may disrupt the consensus splice site. Algorithms developed to predict the effect of missense changes on protein structure and function are either unavailable or do not agree on the potential impact of this missense change (SIFT: "Tolerated"; PolyPhen-2: "Probably Damaging"; Align-GVGD: "Class C15"). This variant has not been reported in the literature in individuals affected with RNASEH2A-related conditions. This variant is not present in population databases (gnomAD no frequency). This sequence change replaces arginine, which is basic and polar, with proline, which is neutral and non-polar, at codon 108 of the RNASEH2A protein (p.Arg108Pro). This variant also falls at the last nucleotide of exon 3, which is part of the consensus splice site for this exon.

Literature cited by the submitters: PubMed 17576681; PubMed 9536098.